The following is an entry in ClinVar:

ClinVar aggregate classification (germline): Uncertain significance. Review status: criteria provided, multiple submitters, no conflicts (2 of 4 stars). 2 submissions from 2 submitters: Uncertain significance (2). Last evaluated 2025-12-02.

Conditions:
Inborn genetic diseases. Identifiers: MedGen C0950123, MeSH D030342.

Allele frequency attached by ClinVar (database versions not stated): TOPMed 0.00001; gnomAD 0.00001; ExAC 0.00013; gnomAD exomes 0.00004.

Submissions (2):

Ambry Genetics
Classification: Uncertain significance for Inborn genetic diseases. Last evaluated: 2025-12-02. Review status: criteria provided, single submitter. Criteria: Ambry Variant Classification Scheme 2023. Collection method: clinical testing. Allele origin: germline.

Labcorp Genetics (formerly Invitae), Labcorp
Classification: Uncertain significance. Last evaluated: 2025-06-17. Review status: criteria provided, single submitter. Criteria: Invitae Variant Classification Sherloc (09022015). Collection method: clinical testing. Allele origin: germline.
Comment: This sequence change replaces glutamic acid, which is acidic and polar, with glutamine, which is neutral and polar, at codon 97 of the TFRC protein (p.Glu97Gln). This variant is present in population databases (rs765455849, gnomAD 0.07%), and has an allele count higher than expected for a pathogenic variant. This variant has not been reported in the literature in individuals affected with TFRC-related conditions. ClinVar contains an entry for this variant (Variation ID: 1966776). An algorithm developed to predict the effect of missense changes on protein structure and function outputs the following: PolyPhen-2: "Benign". The glutamine amino acid residue is found in multiple mammalian species, which suggests that this missense change does not adversely affect protein function. In summary, the available evidence is currently insufficient to determine the role of this variant in disease. Therefore, it has been classified as a Variant of Uncertain Significance.

NM_001128148.3(TFRC):c.289G>C (p.Glu97Gln)

Gene: TFRC (transferrin receptor; minus strand). Cytogenetic location: 3q29.
Variant type: single nucleotide variant.
Coding change: c.289G>C on transcript NM_001128148.3 (MANE Select); coding-DNA position 289, G replaced by C.
Protein change: p.Glu97Gln; replaces glutamic acid 97 with glutamine.
Molecular consequence: missense variant. On other transcripts: intron variant (1).
Genome position (GRCh38, 1-based): chr3:196,074,075, C>G on the plus strand (G>C on the coding strand, the complement: TFRC is on the minus strand). VCF-style: chr3-196074075-C-G. GRCh37 (hg19) VCF-style: chr3-195800946-C-G.
Other names: c.46G>C, p.Glu16Gln (NM_001313965.2); c.289G>C, p.Glu97Gln (NM_003234.4); c.-412-1923G>C (NM_001313966.2); c.289G>C (NM_003234.2); short protein forms E16Q, E97Q.
Identifiers: ClinVar variation 1966776 (VCV001966776.6), dbSNP rs765455849, ClinGen allele CA2778340.